The following is an entry in ClinVar:

NM_001123385.2(BCOR):c.562C>T (p.Arg188Trp)

Genes: BCOR (BCL6 corepressor; minus strand), LOC126863239 (MED14-independent group 3 enhancer GRCh37_chrX:39932994-39934193; plus strand). Cytogenetic location: Xp11.4.
Variant type: single nucleotide variant.
Coding change: c.562C>T on transcript NM_001123385.2 (MANE Select); coding-DNA position 562, C replaced by T.
Protein change: p.Arg188Trp; replaces arginine 188 with tryptophan.
Molecular consequence: missense variant.
Genome position (GRCh38, 1-based): chrX:40,074,784, G>A on the plus strand (C>T on the coding strand, the complement: BCOR is on the minus strand). VCF-style: chrX-40074784-G-A. GRCh37 (hg19) VCF-style: chrX-39934037-G-A.
Other names: c.562C>T, p.Arg188Trp (NM_001123383.2, NM_001123384.2, NM_017745.6); short protein forms R188W.
Identifiers: ClinVar variation 1810651 (VCV001810651.2), dbSNP rs2147268128, ClinGen allele CA412748472.
Genomic context (GRCh38, chrX:40,074,784, plus strand): 5'-CGAGGAAAGGGTAGATGGCTGGCGTGGCACCCTCCATGTAAGGATTGACCCAGGGCAGCC[G>A]CAGATAACTAGCACCATTGATGTTGAGAGGGCTCTGTTTGTCGCTGGCAGGCCTGTCCAA-3'
Protein context (NP_001116857.1, residues 178-198): PLNINGASYL[Arg188Trp]LPWVNPYMEG

ClinVar aggregate classification (germline): Uncertain significance (1 of 4 stars; one submission).

Submission:

GeneDx
Classification: Uncertain significance. Last evaluated: 2024-12-13. Review status: criteria provided, single submitter. Criteria: GeneDx Variant Classification Process June 2021. Collection method: clinical testing. Allele origin: germline.
Comment: Not observed at significant frequency in large population cohorts (gnomAD); In silico analysis supports that this missense variant has a deleterious effect on protein structure/function; Has not been previously published as pathogenic or benign to our knowledge